The following is an entry in ClinVar:

ClinVar aggregate classification (germline): Uncertain significance (1 of 4 stars; one submission).

Submission:

GeneDx
Classification: Uncertain significance. Last evaluated: 2024-04-03. Review status: criteria provided, single submitter. Criteria: GeneDx Variant Classification Process June 2021. Collection method: clinical testing. Allele origin: germline. Affected: yes.
Comment: Not observed at significant frequency in large population cohorts (gnomAD); In silico analysis supports that this missense variant does not alter protein structure/function; Has not been previously published as pathogenic or benign to our knowledge

NM_001366521.1(ATP2B1):c.894A>C (p.Glu298Asp)

Gene: ATP2B1 (ATPase plasma membrane Ca2+ transporting 1; minus strand). Cytogenetic location: 12q21.33.
Variant type: single nucleotide variant.
Coding change: c.894A>C on transcript NM_001366521.1 (MANE Select); coding-DNA position 894, A replaced by C.
Protein change: p.Glu298Asp; replaces glutamic acid 298 with aspartic acid.
Molecular consequence: missense variant. On other transcripts: non-coding transcript variant (3), intron variant (8).
Genome position (GRCh38, 1-based): chr12:89,630,539, T>G on the plus strand (A>C on the coding strand, the complement: ATP2B1 is on the minus strand). VCF-style: chr12-89630539-T-G. GRCh37 (hg19) VCF-style: chr12-90024316-T-G.
Other names: c.894A>C, p.Glu298Asp (NM_001001323.2, NM_001366520.1, NM_001366522.1 and 14 more transcripts); c.696A>C, p.Glu232Asp (NM_001366530.1, NM_001413053.1); c.639A>C, p.Glu213Asp (NM_001413056.1); c.441A>C, p.Glu147Asp (NM_001413057.1); c.407-3924A>C (NM_001413060.1, NM_001366531.1, NM_001413058.1 and 2 more transcripts); c.788-2823A>C (NM_001413051.1, NM_001413055.1, NM_001413052.1); short protein forms E147D, E213D, E232D, E298D.
Identifiers: ClinVar variation 3372046 (VCV003372046.1).